The following is an entry in ClinVar:

ClinVar aggregate classification (germline): Likely pathogenic (1 of 4 stars; one submission).

Conditions:
Spinocerebellar ataxia, autosomal recessive 26. Identifiers: MedGen C4539948, MONDO:0033116, OMIM 617633.

gnomAD v4.1: 1 of 1,614,178 alleles (0.000062%); no homozygotes.

Submission:

First Genomix Gene Laboratory, Genetic Diagnostics Department
Classification: Likely pathogenic for Spinocerebellar ataxia, autosomal recessive 26. Last evaluated: 2025-09-08. Review status: criteria provided, single submitter. Criteria: ACMG Guidelines, 2015. Collection method: clinical testing. Allele origin: germline. Inheritance: Autosomal recessive inheritance. Affected: no. Observed: 1 variant allele.

NM_006297.3(XRCC1):c.538G>T (p.Glu180Ter)

Gene: XRCC1 (X-ray repair cross complementing 1; minus strand). Cytogenetic location: 19q13.31.
Variant type: single nucleotide variant.
Coding change: c.538G>T on transcript NM_006297.3 (MANE Select); coding-DNA position 538, G replaced by T.
Protein change: p.Glu180Ter; replaces glutamic acid 180 with a stop codon.
Molecular consequence: nonsense.
Genome position (GRCh38, 1-based): chr19:43,553,464, C>A on the plus strand (G>T on the coding strand, the complement: XRCC1 is on the minus strand). VCF-style: chr19-43553464-C-A. GRCh37 (hg19) VCF-style: chr19-44057616-C-A.
Other names: short protein forms E180*.
Identifiers: ClinVar variation 4850267 (VCV004850267.1).